The following is an entry in ClinVar:

ClinVar aggregate classification (germline): Likely pathogenic (1 of 4 stars; one submission).

Submission:

CeGaT Center for Human Genetics Tuebingen
Classification: Likely pathogenic. Last evaluated: 2024-02-01. Review status: criteria provided, single submitter. Criteria: CeGaT Center For Human Genetics Tuebingen Variant Classification Criteria Version 2. Collection method: clinical testing. Allele origin: germline. Affected: yes. Observed: 1 variant allele.
Comment: COL11A1: PVS1:Strong, PM2, PP4, PS4:Supporting

NM_001854.4(COL11A1):c.2241+1G>C

Gene: COL11A1 (collagen type XI alpha 1 chain; minus strand). Cytogenetic location: 1p21.1.
Variant type: single nucleotide variant.
Coding change: c.2241+1G>C on transcript NM_001854.4 (MANE Select); the canonical splice donor site of the intron after coding-DNA position 2241, G replaced by C.
Molecular consequence: splice donor variant.
Genome position (GRCh38, 1-based): chr1:102,997,079, C>G on the plus strand (G>C on the coding strand, the complement: COL11A1 is on the minus strand). VCF-style: chr1-102997079-C-G. GRCh37 (hg19) VCF-style: chr1-103462635-C-G.
Other names: c.2124+1G>C (NM_001190709.2); c.2277+1G>C (NM_080629.3); c.1893+1G>C (NM_080630.4).
Identifiers: ClinVar variation 3026702 (VCV003026702.22), dbSNP rs2525300740, ClinGen allele CA341169292.
Genomic context (GRCh38, chr1:102,997,079, plus strand): 5'-TAAGGCATTTTCTCTTGGAAATTTATTAATAGGACATTTAAATGGATACTTTGGAACCTA[C>G]CAGAGCCCCCTTTTCTCCAGACTGGCCTTCTTTCCCAGGATGACCCTATATTTAGCAAAA-3'